The following is an entry in ClinVar:

NM_006035.4(CDC42BPB):c.2824C>T (p.Leu942Phe)

Gene: CDC42BPB (CDC42 binding protein kinase beta; minus strand). Cytogenetic location: 14q32.32.
Variant type: single nucleotide variant.
Coding change: c.2824C>T on transcript NM_006035.4 (MANE Select); coding-DNA position 2824, C replaced by T.
Protein change: p.Leu942Phe; replaces leucine 942 with phenylalanine.
Molecular consequence: missense variant.
Genome position (GRCh38, 1-based): chr14:102,959,708, G>A on the plus strand (C>T on the coding strand, the complement: CDC42BPB is on the minus strand). VCF-style: chr14-102959708-G-A. GRCh37 (hg19) VCF-style: chr14-103426045-G-A.
Other names: c.2824C>T, p.Leu942Phe (NM_001411054.1); short protein forms L942F.
Identifiers: ClinVar variation 2305591 (VCV002305591.2), dbSNP rs1246209355, ClinGen allele CA391080358.

ClinVar aggregate classification (germline): Uncertain significance (1 of 4 stars; one submission).

Conditions:
Inborn genetic diseases. Identifiers: MedGen C0950123, MeSH D030342.

Allele frequency attached by ClinVar (database versions not stated): TOPMed below 0.00001.

Submission:

Ambry Genetics
Classification: Uncertain significance for Inborn genetic diseases. Last evaluated: 2022-09-12. Review status: criteria provided, single submitter. Criteria: Ambry Variant Classification Scheme 2023. Collection method: clinical testing. Allele origin: germline.
Comment: The c.2824C>T (p.L942F) alteration is located in exon 21 (coding exon 21) of the CDC42BPB gene. This alteration results from a C to T substitution at nucleotide position 2824, causing the leucine (L) at amino acid position 942 to be replaced by a phenylalanine (F). This variant was flagged as a low confidence call in the Genome Aggregation Database (gnomAD). This amino acid position is highly conserved in available vertebrate species. This alteration is predicted to be tolerated by in silico analysis. Based on insufficient or conflicting evidence, the clinical significance of this alteration remains unclear.